The following is an entry in ClinVar:

ClinVar aggregate classification (germline): Pathogenic (1 of 4 stars; one submission).

Conditions:
Neurofibromatosis, type 1 (NF1). Also called: Peripheral type neurofibromatosis; VON RECKLINGHAUSEN DISEASE; NEUROFIBROMATOSIS, TYPE I, SOMATIC; Neurofibromatosis, type I. Identifiers: Orphanet 636, MedGen C0027831, MONDO:0018975, OMIM 162200. Disease mechanism: loss of function.

Submission:

Labcorp Genetics (formerly Invitae), Labcorp
Classification: Pathogenic for Neurofibromatosis, type 1. Last evaluated: 2023-05-08. Review status: criteria provided, single submitter. Criteria: Invitae Variant Classification Sherloc (09022015). Collection method: clinical testing. Allele origin: germline.
Comment: ClinVar contains an entry for this variant (Variation ID: 2137951). This sequence change creates a premature translational stop signal (p.Met242Argfs*39) in the NF1 gene. It is expected to result in an absent or disrupted protein product. Loss-of-function variants in NF1 are known to be pathogenic (PMID: 10712197, 23913538). This variant is not present in population databases (gnomAD no frequency). This premature translational stop signal has been observed in individual(s) with neurofibromatosis type 1 (PMID: 17311297, 26969325). For these reasons, this variant has been classified as Pathogenic.

Literature cited by the submitters: PubMed 10712197; PubMed 23913538; PubMed 17311297; PubMed 26969325.

NM_001042492.3(NF1):c.725del (p.Met242fs)

Gene: NF1 (neurofibromin 1; plus strand). Cytogenetic location: 17q11.2.
Variant type: Deletion.
Coding change: c.725del on transcript NM_001042492.3 (MANE Select); coding-DNA position 725, one base deleted (T; older notation c.725delT).
Protein change: p.Met242fs; shifts the reading frame from methionine 242.
Molecular consequence: frameshift variant.
Genome position (GRCh38, 1-based): chr17:31,181,780, T deleted. VCF-style (leftmost placement, unchanged base first): chr17-31181779-AT-A. GRCh37 (hg19) VCF-style: chr17-29508797-AT-A.
Other names: c.725delT, p.Met242Argfs (NM_000267.4); c.725del, p.Met242fs (NM_001128147.3); short protein forms M242fs.
Identifiers: ClinVar variation 2137951 (VCV002137951.4), dbSNP rs2544750196, ClinGen allele CA2580092834.